The following is an entry in ClinVar:

ClinVar aggregate classification (germline): Likely pathogenic. Review status: criteria provided, multiple submitters, no conflicts (2 of 4 stars). 2 submissions from 2 submitters: Likely pathogenic (2). Last evaluated 2023-04-20.

Conditions:
LAMA2-related muscular dystrophy (LAMA2-RD). Also called: Laminin alpha 2-related dystrophy. Identifiers: MedGen C5679788, MONDO:0100228.
Abnormality of the musculature. Identifiers: MedGen C4021745, HP:0003011.

Submissions (2):

Labcorp Genetics (formerly Invitae), Labcorp
Classification: Likely pathogenic for LAMA2-related muscular dystrophy. Last evaluated: 2023-04-20. Review status: criteria provided, single submitter. Criteria: Invitae Variant Classification Sherloc (09022015). Collection method: clinical testing. Allele origin: germline.
Comment: ClinVar contains an entry for this variant (Variation ID: 1180615). Disruption of this splice site has been observed in individual(s) with congenital muscular dystrophy (PMID: 27234031). This variant is not present in population databases (gnomAD no frequency). This sequence change affects an acceptor splice site in intron 45 of the LAMA2 gene. It is expected to disrupt RNA splicing. Variants that disrupt the donor or acceptor splice site typically lead to a loss of protein function (PMID: 16199547), and loss-of-function variants in LAMA2 are known to be pathogenic (PMID: 18700894, 32904964). Algorithms developed to predict the effect of sequence changes on RNA splicing suggest that this variant may disrupt the consensus splice site. In summary, the currently available evidence indicates that the variant is pathogenic, but additional data are needed to prove that conclusively. Therefore, this variant has been classified as Likely Pathogenic.

Kariminejad - Najmabadi Pathology & Genetics Center
Classification: Likely pathogenic for Abnormality of the musculature. Last evaluated: 2021-07-10. Review status: criteria provided, single submitter. Criteria: ACMG Guidelines, 2015. Collection method: clinical testing. Allele origin: germline. Affected: yes.

Literature cited by the submitters: PubMed 27234031 (cited by Labcorp Genetics (formerly Invitae), Labcorp); PubMed 16199547 (cited by Labcorp Genetics (formerly Invitae), Labcorp); PubMed 18700894 (cited by Labcorp Genetics (formerly Invitae), Labcorp); PubMed 32904964 (cited by Labcorp Genetics (formerly Invitae), Labcorp).

NM_000426.4(LAMA2):c.6430-2A>G

Gene: LAMA2 (laminin subunit alpha 2; plus strand). Cytogenetic location: 6q22.33.
Variant type: single nucleotide variant.
Coding change: c.6430-2A>G on transcript NM_000426.4 (MANE Select); the canonical splice acceptor site of the intron before coding-DNA position 6430, A replaced by G.
Molecular consequence: splice acceptor variant.
Genome position (GRCh38, 1-based): chr6:129,452,986, A>G. VCF-style: chr6-129452986-A-G. GRCh37 (hg19) VCF-style: chr6-129774131-A-G.
Other names: c.6430-2A>G (NM_001079823.2).
Identifiers: ClinVar variation 1180615 (VCV001180615.4), dbSNP rs2114788484, ClinGen allele CA365616310.
Genomic context (GRCh38, chr6:129,452,986, plus strand): 5'-AAGCTACTTCAAACTTTCTGAGAGATTTACTCTTGGTTCTTTGTATCTTGTTTTTTTTAA[A>G]GATCAAAGTATCTGTGTCTTCAGGAGGTGACTGCATTCGAACATACAAACCAGAAATCAA-3'